The following is an entry in ClinVar:

ClinVar aggregate classification (germline): Uncertain significance (1 of 4 stars; one submission).

Conditions:
Brugada syndrome 8 (BRGDA8). Identifiers: Orphanet 130, MedGen C2751083, MONDO:0013148, OMIM 613123.

Submission:

Labcorp Genetics (formerly Invitae), Labcorp
Classification: Uncertain significance for Brugada syndrome 8. Last evaluated: 2025-05-01. Review status: criteria provided, single submitter. Criteria: Invitae Variant Classification Sherloc (09022015). Collection method: clinical testing. Allele origin: germline.
Comment: This sequence change replaces glutamine, which is neutral and polar, with histidine, which is basic and polar, at codon 1185 of the HCN4 protein (p.Gln1185His). This variant is not present in population databases (gnomAD no frequency). This variant has not been reported in the literature in individuals affected with HCN4-related conditions. Invitae Evidence Modeling of protein sequence and biophysical properties (such as structural, functional, and spatial information, amino acid conservation, physicochemical variation, residue mobility, and thermodynamic stability) indicates that this missense variant is not expected to disrupt HCN4 protein function with a negative predictive value of 95%. In summary, the available evidence is currently insufficient to determine the role of this variant in disease. Therefore, it has been classified as a Variant of Uncertain Significance.

NM_005477.3(HCN4):c.3555G>C (p.Gln1185His)

Gene: HCN4 (hyperpolarization activated cyclic nucleotide gated potassium channel 4; minus strand). Cytogenetic location: 15q24.1.
Variant type: single nucleotide variant.
Coding change: c.3555G>C on transcript NM_005477.3 (MANE Select); coding-DNA position 3555, G replaced by C.
Protein change: p.Gln1185His; replaces glutamine 1185 with histidine.
Molecular consequence: missense variant.
Genome position (GRCh38, 1-based): chr15:73,322,538, C>G on the plus strand (G>C on the coding strand, the complement: HCN4 is on the minus strand). VCF-style: chr15-73322538-C-G. GRCh37 (hg19) VCF-style: chr15-73614879-C-G.
Other names: short protein forms Q1185H.
Identifiers: ClinVar variation 4772971 (VCV004772971.1).